The following is an entry in ClinVar:

NM_001004334.4(GPR179):c.2335A>G (p.Arg779Gly)

Gene: GPR179 (G protein-coupled receptor 179; minus strand). Cytogenetic location: 17q12.
Variant type: single nucleotide variant.
Coding change: c.2335A>G on transcript NM_001004334.4 (MANE Select); coding-DNA position 2335, A replaced by G.
Protein change: p.Arg779Gly; replaces arginine 779 with glycine.
Molecular consequence: missense variant.
Genome position (GRCh38, 1-based): chr17:38,331,234, T>C on the plus strand (A>G on the coding strand, the complement: GPR179 is on the minus strand). VCF-style: chr17-38331234-T-C. GRCh37 (hg19) VCF-style: chr17-36487117-T-C.
Other names: short protein forms R779G.
Identifiers: ClinVar variation 1387644 (VCV001387644.8), dbSNP rs771018141, ClinGen allele CA290105925.
Genomic context (GRCh38, chr17:38,331,234, plus strand): 5'-AGGCCTTCTTGGCCAGCTTCCTCCTCAGCAGTGAGTCAAGAAGAGGCGGGTCCTGCTCCC[T>C]GCGCTGGTCATAGGTGCTGCGGGACTTGTGCAGAGCTGGTGTCCCCTCGGGTTCCTGGAG-3'
Protein context (NP_001004334.3, residues 769-789): HKSRSTYDQR[Arg779Gly]EQDPPLLDSL

ClinVar aggregate classification (germline): Uncertain significance (1 of 4 stars; one submission).

Allele frequency attached by ClinVar (database versions not stated): gnomAD exomes 0.00001; ExAC 0.00002.
gnomAD v4.1: 17 of 1,588,582 alleles (0.0011%); highest among the groups gnomAD compares: East Asian, 0.036%; no homozygotes.

Submission:

Labcorp Genetics (formerly Invitae), Labcorp
Classification: Uncertain significance. Last evaluated: 2022-07-25. Review status: criteria provided, single submitter. Criteria: Invitae Variant Classification Sherloc (09022015). Collection method: clinical testing. Allele origin: germline.
Comment: This sequence change replaces arginine, which is basic and polar, with glycine, which is neutral and non-polar, at codon 779 of the GPR179 protein (p.Arg779Gly). This variant has not been reported in the literature in individuals affected with GPR179-related conditions. The frequency data for this variant in the population databases is considered unreliable, as metrics indicate poor data quality at this position in the gnomAD database. In summary, the available evidence is currently insufficient to determine the role of this variant in disease. Therefore, it has been classified as a Variant of Uncertain Significance. Algorithms developed to predict the effect of missense changes on protein structure and function output the following: SIFT: "Deleterious"; PolyPhen-2: "Benign"; Align-GVGD: "Class C0". The glycine amino acid residue is found in multiple mammalian species, which suggests that this missense change does not adversely affect protein function. ClinVar contains an entry for this variant (Variation ID: 1387644).